The following is an entry in ClinVar:

ClinVar aggregate classification (germline): Conflicting classifications of pathogenicity. Review status: criteria provided, conflicting classifications (1 of 4 stars). 3 submissions from 3 submitters: Pathogenic (1); Likely pathogenic (1); Uncertain significance (1). Last evaluated 2025-08-01.

Conditions:
GRIN1-related disorder. Also called: GRIN1-related condition.
Neurodevelopmental disorder with or without hyperkinetic movements and seizures, autosomal dominant. Also called: Intellectual disability, autosomal dominant 8. Identifiers: MedGen C3280282, MONDO:0013655, OMIM 614254.

Submissions (3):

CeGaT Center for Human Genetics Tuebingen
Classification: Uncertain significance. Last evaluated: 2025-08-01. Review status: criteria provided, single submitter. Criteria: CeGaT Center For Human Genetics Tuebingen Variant Classification Criteria Version 2. Collection method: clinical testing. Allele origin: germline. Affected: yes. Observed: 1 variant allele.
Comment: GRIN1: PM2, PVS1:Supporting

Labcorp Genetics (formerly Invitae), Labcorp
Classification: Pathogenic for Neurodevelopmental disorder with or without hyperkinetic movements and seizures, autosomal dominant. Last evaluated: 2025-02-23. Review status: criteria provided, single submitter. Criteria: Invitae Variant Classification Sherloc (09022015). Collection method: clinical testing. Allele origin: germline.
Comment: This sequence change creates a premature translational stop signal (p.Pro106Argfs*47) in the GRIN1 gene. It is expected to result in an absent or disrupted protein product. Loss-of-function variants in GRIN1 are known to be pathogenic (PMID: 27164704, 35393335). This variant is not present in population databases (gnomAD no frequency). This variant has not been reported in the literature in individuals affected with GRIN1-related conditions. For these reasons, this variant has been classified as Pathogenic.

Blueprint Genetics
Classification: Likely pathogenic for GRIN1-related disorders. Last evaluated: 2019-08-09. Review status: criteria provided, single submitter. Criteria: ACMG Guidelines, 2015. Collection method: clinical testing. Allele origin: germline. Affected: yes. Observed: 1 variant allele.

Literature cited by the submitters: PubMed 27164704 (cited by Labcorp Genetics (formerly Invitae), Labcorp); PubMed 35393335 (cited by Labcorp Genetics (formerly Invitae), Labcorp).

NM_007327.4(GRIN1):c.317_318del (p.Pro106fs)

Gene: GRIN1 (glutamate ionotropic receptor NMDA type subunit 1; plus strand). Cytogenetic location: 9q34.3.
Variant type: Deletion.
Coding change: c.317_318del on transcript NM_007327.4 (MANE Select); coding-DNA positions 317 to 318, 2 bases deleted (CT; older notation c.317_318delCT).
Protein change: p.Pro106fs; shifts the reading frame from proline 106.
Molecular consequence: frameshift variant.
Genome position (GRCh38, 1-based): chr9:137,142,071-137,142,072, CT deleted. VCF-style (leftmost placement, unchanged base first): chr9-137142070-CCT-C. GRCh37 (hg19) VCF-style: chr9-140036522-CCT-C.
Other names: c.317_318del, p.Pro106fs (NM_000832.7, NM_001185090.2, NM_001185091.2 and 3 more transcripts); short protein forms P106fs.
Identifiers: ClinVar variation 4085880 (VCV004085880.10).